The following is an entry in ClinVar:

ClinVar aggregate classification (germline): Uncertain significance (1 of 4 stars; one submission).

Conditions:
Cardiovascular phenotype. Identifiers: MedGen CN230736.

Submission:

Ambry Genetics
Classification: Uncertain significance for Cardiovascular phenotype. Last evaluated: 2024-12-13. Review status: criteria provided, single submitter. Criteria: Ambry Variant Classification Scheme 2023. Collection method: clinical testing. Allele origin: germline.
Comment: The p.V571G variant (also known as c.1712T>G), located in coding exon 11 of the FLNC gene, results from a T to G substitution at nucleotide position 1712. The valine at codon 571 is replaced by glycine, an amino acid with dissimilar properties. This amino acid position is conserved. In addition, this alteration is predicted to be tolerated by in silico analysis. Based on the available evidence, the clinical significance of this variant remains unclear.

NM_001458.5(FLNC):c.1712T>G (p.Val571Gly)

Gene: FLNC (filamin C; plus strand). Cytogenetic location: 7q32.1.
Variant type: single nucleotide variant.
Coding change: c.1712T>G on transcript NM_001458.5 (MANE Select); coding-DNA position 1712, T replaced by G.
Protein change: p.Val571Gly; replaces valine 571 with glycine.
Molecular consequence: missense variant.
Genome position (GRCh38, 1-based): chr7:128,840,869, T>G. VCF-style: chr7-128840869-T-G. GRCh37 (hg19) VCF-style: chr7-128480923-T-G.
Other names: c.1712T>G, p.Val571Gly (NM_001127487.2); short protein forms V571G.
Identifiers: ClinVar variation 3850772 (VCV003850772.1).